The following is an entry in ClinVar:

NM_019098.5(CNGB3):c.643G>C (p.Asp215His)

Gene: CNGB3 (cyclic nucleotide gated channel subunit beta 3; minus strand). Cytogenetic location: 8q21.3.
Variant type: single nucleotide variant.
Coding change: c.643G>C on transcript NM_019098.5 (MANE Select); coding-DNA position 643, G replaced by C.
Protein change: p.Asp215His; replaces aspartic acid 215 with histidine.
Molecular consequence: missense variant.
Genome position (GRCh38, 1-based): chr8:86,668,019, C>G on the plus strand (G>C on the coding strand, the complement: CNGB3 is on the minus strand). VCF-style: chr8-86668019-C-G. GRCh37 (hg19) VCF-style: chr8-87680247-C-G.
Other names: short protein forms D215H.
Identifiers: ClinVar variation 427672 (VCV000427672.2), dbSNP rs1174949911, ClinGen allele CA371449692.

ClinVar aggregate classification (germline): Likely pathogenic. Review status: criteria provided, single submitter (1 of 4 stars). 2 submissions from 2 submitters: Likely pathogenic (1). 1 of the submissions does not count toward it. Last evaluated 2025-07-25.

Conditions:
Achromatopsia. Also called: Rod monochromatism. Identifiers: Orphanet 49382, MedGen C0152200, MONDO:0018852, HP:0011516.
Achromatopsia 3 (ACHM3). Also called: TOTAL COLORBLINDNESS WITH MYOPIA; ROD MONOCHROMACY 1; ROD MONOCHROMATISM 1; PINGELAPESE BLINDNESS; ACHROMATOPSIA WITH MYOPIA. Identifiers: Orphanet 49382, MedGen C1849792, MONDO:0009875, OMIM 262300.

gnomAD v4.1: 1 of 1,613,924 alleles (0.000062%); highest among the groups gnomAD compares: Non-Finnish European, 0.000085%; no homozygotes.

Submissions (2):

Natera, Inc.
Classification: Likely pathogenic for Achromatopsia. Last evaluated: 2025-07-25. Review status: criteria provided, single submitter. Criteria: Natera Variant Classification Schema (03/2026). Collection method: clinical testing. Allele origin: germline.
Comment: The c.643G>C variant in CNGB3 is a missense variant predicted to cause substitution of aspartic acid to histidine at amino acid 215. This variant is rare in the general population with a frequency below the threshold expected for the associated phenotype(s). This variant has been observed in one or more individuals affected with the associated recessive disease, as either homozygous or compound heterozygous with a second variant (PMID: 32531858). Functional studies show that this variant may disrupt protein function (PMID: 40304364). Computational prediction algorithms indicate this variant is likely to affect gene or protein function. Given the available evidence, this variant is classified as Likely Pathogenic.

Molecular Genetics Laboratory, Institute for Ophthalmic Research
Classification: Likely pathogenic for ACHM3. Last evaluated: 2017-03-27. Review status: no assertion criteria provided. Collection method: research. Allele origin: germline. Affected: yes. Not counted in ClinVar's aggregate classification.

Literature cited by the submitters: PubMed 32531858 (cited by Natera, Inc.); PubMed 40304364 (cited by Natera, Inc.); PubMed 28795510 (cited by Molecular Genetics Laboratory, Institute for Ophthalmic Research).